The following is an entry in ClinVar:

NM_004525.3(LRP2):c.8633C>T (p.Pro2878Leu)

Gene: LRP2 (LDL receptor related protein 2; minus strand). Cytogenetic location: 2q31.1.
Variant type: single nucleotide variant.
Coding change: c.8633C>T on transcript NM_004525.3 (MANE Select); coding-DNA position 8633, C replaced by T.
Protein change: p.Pro2878Leu; replaces proline 2878 with leucine.
Molecular consequence: missense variant.
Genome position (GRCh38, 1-based): chr2:169,196,976, G>A on the plus strand (C>T on the coding strand, the complement: LRP2 is on the minus strand). VCF-style: chr2-169196976-G-A. GRCh37 (hg19) VCF-style: chr2-170053486-G-A.
Other names: c.8633C>T (NM_004525.2); short protein forms P2878L.
Identifiers: ClinVar variation 1053357 (VCV001053357.8), dbSNP rs371790481, ClinGen allele CA1953795.

ClinVar aggregate classification (germline): Uncertain significance. Review status: criteria provided, multiple submitters, no conflicts (2 of 4 stars). 3 submissions from 3 submitters: Uncertain significance (3). Last evaluated 2023-12-20.

Conditions:
Inborn genetic diseases. Identifiers: MedGen C0950123, MeSH D030342.
Donnai-Barrow syndrome. Also called: DBS/FOAR SYNDROME; FACIOOCULOACOUSTICORENAL SYNDROME. Identifiers: Orphanet 2143, MedGen C1857277, MONDO:0009104, OMIM 222448.

Allele frequency attached by ClinVar (database versions not stated): gnomAD 0.00002; gnomAD exomes 0.00002 and 0.00007; TOPMed 0.00002; ExAC 0.00003; ESP Exome Variant Server 0.00008.
gnomAD v4.1: 109 of 1,614,006 alleles (0.0068%); highest among the groups gnomAD compares: Non-Finnish European, 0.0092%; no homozygotes.

Submissions (3):

Fulgent Genetics
Classification: Uncertain significance for Donnai-Barrow syndrome. Last evaluated: 2023-12-20. Review status: criteria provided, single submitter. Criteria: ACMG Guidelines, 2015. Collection method: clinical testing. Allele origin: germline.

Ambry Genetics
Classification: Uncertain significance for Inborn genetic diseases. Last evaluated: 2023-08-08. Review status: criteria provided, single submitter. Criteria: Ambry Variant Classification Scheme 2023. Collection method: clinical testing. Allele origin: germline.

Labcorp Genetics (formerly Invitae), Labcorp
Classification: Uncertain significance. Last evaluated: 2022-10-03. Review status: criteria provided, single submitter. Criteria: Invitae Variant Classification Sherloc (09022015). Collection method: clinical testing. Allele origin: germline.
Comment: This sequence change replaces proline, which is neutral and non-polar, with leucine, which is neutral and non-polar, at codon 2878 of the LRP2 protein (p.Pro2878Leu). This variant is present in population databases (rs371790481, gnomAD 0.01%). This variant has not been reported in the literature in individuals affected with LRP2-related conditions. ClinVar contains an entry for this variant (Variation ID: 1053357). Advanced modeling of protein sequence and biophysical properties (such as structural, functional, and spatial information, amino acid conservation, physicochemical variation, residue mobility, and thermodynamic stability) performed at Invitae indicates that this missense variant is not expected to disrupt LRP2 protein function. In summary, the available evidence is currently insufficient to determine the role of this variant in disease. Therefore, it has been classified as a Variant of Uncertain Significance.